The following is an entry in ClinVar:

ClinVar aggregate classification (germline): Benign/Likely benign. Review status: criteria provided, multiple submitters, no conflicts (2 of 4 stars). 7 submissions from 7 submitters: Benign (2); Likely benign (5). Last evaluated 2026-05-07.

Conditions:
BAP1-related disorder. Also called: BAP1-related condition.
Hereditary cancer-predisposing syndrome. Also called: Neoplastic Syndromes, Hereditary; Hereditary Cancer Syndrome; Tumor predisposition; Hereditary neoplastic syndrome. Identifiers: Orphanet 140162, MedGen C0027672, MeSH D009386, MONDO:0015356.
BAP1-related tumor predisposition syndrome (TPDS1). Also called: Tumor susceptibility linked to germline BAP1 mutations; COMMON Syndrome; BAP1 tumor predisposition syndrome; TUMOR PREDISPOSITION SYNDROME 1. Identifiers: Orphanet 289539, MedGen C3280492, MONDO:0013692, OMIM 614327.

Allele frequency attached by ClinVar (database versions not stated): gnomAD 0.00002; gnomAD exomes 0.00002 and 0.00004; TOPMed 0.00002; ExAC 0.00008.
gnomAD v4.1: 35 of 1,613,064 alleles (0.0022%); highest among the groups gnomAD compares: East Asian, 0.06%; no homozygotes.

Submissions (7):

PreventionGenetics, part of Exact Sciences
Classification: Likely benign for BAP1-related condition. Last evaluated: 2026-05-07. Review status: criteria provided, single submitter. Criteria: ACMG Guidelines, 2015. Collection method: clinical testing. Allele origin: germline.
Comment: This variant is classified as likely benign based on ACMG/AMP sequence variant interpretation guidelines (Richards et al. 2015 PMID: 25741868, with internal and published modifications).

Labcorp Genetics (formerly Invitae), Labcorp
Classification: Likely benign for BAP1-related tumor predisposition syndrome. Last evaluated: 2025-12-23. Review status: criteria provided, single submitter. Criteria: Invitae Variant Classification Sherloc (09022015). Collection method: clinical testing. Allele origin: germline.

Myriad Genetics, Inc.
Classification: Benign for BAP1-related tumor predisposition syndrome. Last evaluated: 2024-07-15. Review status: criteria provided, single submitter. Criteria: Myriad Autosomal Dominant, Autosomal Recessive and X-Linked Classification Criteria (2023). Collection method: clinical testing. Allele origin: unknown.
Comment: This variant is considered benign. This variant is a silent/synonymous amino acid change and it is not expected to impact splicing.

Quest Diagnostics Nichols Institute San Juan Capistrano
Classification: Benign. Last evaluated: 2023-02-09. Review status: criteria provided, single submitter. Criteria: Quest Diagnostics criteria. Collection method: clinical testing. Allele origin: unknown.

GeneDx
Classification: Likely benign. Last evaluated: 2019-11-19. Review status: criteria provided, single submitter. Criteria: GeneDx Variant Classification Process June 2021. Collection method: clinical testing. Allele origin: germline. Affected: yes.

Color Diagnostics, LLC DBA Color Health
Classification: Likely benign for Hereditary cancer-predisposing syndrome. Last evaluated: 2016-07-25. Review status: criteria provided, single submitter. Criteria: ACMG Guidelines, 2015. Collection method: clinical testing. Allele origin: germline.

Ambry Genetics
Classification: Likely benign for Hereditary cancer-predisposing syndrome. Last evaluated: 2015-11-11. Review status: criteria provided, single submitter. Criteria: Ambry Variant Classification Scheme 2023. Collection method: clinical testing. Allele origin: germline.

NM_004656.4(BAP1):c.924C>T (p.Asn308=)

Gene: BAP1 (BRCA1 associated deubiquitinase 1; minus strand). Cytogenetic location: 3p21.1.
Variant type: single nucleotide variant.
Coding change: c.924C>T on transcript NM_004656.4 (MANE Select); coding-DNA position 924, C replaced by T.
Protein change: p.Asn308=; no amino-acid change (asparagine 308 retained).
Molecular consequence: synonymous variant.
Genome position (GRCh38, 1-based): chr3:52,405,772, G>A on the plus strand (C>T on the coding strand, the complement: BAP1 is on the minus strand). VCF-style: chr3-52405772-G-A. GRCh37 (hg19) VCF-style: chr3-52439788-G-A.
Identifiers: ClinVar variation 472718 (VCV000472718.26), dbSNP rs749945143, ClinGen allele CA2436972.
Genomic context (GRCh38, chr3:52,405,772, plus strand): 5'-AGACATTAGCGGGTGGCTCTGAGGTCCACAAGAGGTCCCAAACCCCCCAGTACCTGTGTG[G>A]TTGCCCTCAGAGGCTGCAGGGGCCCTGTTTGCTTCCAGCACCAGCGGGGACTTGTTGCTG-3'
Protein context (NP_004647.1, residues 298-318): ANRAPAASEG[Asn308=]HTDGAEEAAG